The following is an entry in ClinVar:

ClinVar aggregate classification (germline): Benign/Likely benign. Review status: criteria provided, multiple submitters, no conflicts (2 of 4 stars). 4 submissions from 4 submitters: Benign (1); Likely benign (2). 1 of the submissions does not count toward it. Last evaluated 2025-06-11.

Conditions:
TTN-related disorder. Also called: TTN-related condition; TTN-related disease; TTN-related disorders.
Cardiovascular phenotype. Identifiers: MedGen CN230736.
Autosomal recessive limb-girdle muscular dystrophy type 2J (LGMDR10). Also called: Limb-girdle muscular dystrophy, type 2J; MUSCULAR DYSTROPHY, LIMB-GIRDLE, AUTOSOMAL RECESSIVE 10. Identifiers: Orphanet 140922, MedGen C1837342, MONDO:0012127, OMIM 608807.
Dilated cardiomyopathy 1G (CMD1G). Identifiers: Orphanet 154, MedGen C1858763, MONDO:0011400, OMIM 604145.

Allele frequency attached by ClinVar (database versions not stated): TOPMed 0.00001; gnomAD 0.00002 and 0.00003; gnomAD exomes 0.00002 and 0.00003; ExAC 0.00003.
gnomAD v4.1: 41 of 1,611,540 alleles (0.0025%); highest among the groups gnomAD compares: South Asian, 0.022%; no homozygotes.

Submissions (4):

Labcorp Genetics (formerly Invitae), Labcorp
Classification: Likely benign for Dilated cardiomyopathy 1G; Autosomal recessive limb-girdle muscular dystrophy type 2J. Last evaluated: 2025-06-11. Review status: criteria provided, single submitter. Criteria: Invitae Variant Classification Sherloc (09022015). Collection method: clinical testing. Allele origin: germline.

Ambry Genetics
Classification: Benign for Cardiovascular phenotype. Last evaluated: 2020-04-08. Review status: criteria provided, single submitter. Criteria: Ambry Variant Classification Scheme 2023. Collection method: clinical testing. Allele origin: germline.

GeneDx
Classification: Likely benign. Last evaluated: 2020-01-10. Review status: criteria provided, single submitter. Criteria: GeneDx Variant Classification Process June 2021. Collection method: clinical testing. Allele origin: germline. Affected: yes.

PreventionGenetics, part of Exact Sciences
Classification: Likely benign for TTN-related condition. Last evaluated: 2019-06-11. Review status: no assertion criteria provided. Collection method: clinical testing. Allele origin: germline. Not counted in ClinVar's aggregate classification.
Comment: This variant is classified as likely benign based on ACMG/AMP sequence variant interpretation guidelines (Richards et al. 2015 PMID: 25741868, with internal and published modifications).

NM_001267550.2(TTN):c.65700T>C (p.Asp21900=)

Genes: TTN-AS1 (TTN antisense RNA 1; plus strand), TTN (titin; minus strand). Cytogenetic location: 2q31.2.
Variant type: single nucleotide variant.
Coding change: c.65700T>C on transcript NM_001267550.2 (MANE Select); coding-DNA position 65700, T replaced by C.
Protein change: p.Asp21900=; no amino-acid change (aspartic acid 21900 retained).
Molecular consequence: synonymous variant. On other transcripts: non-coding transcript variant (1).
Genome position (GRCh38, 1-based): chr2:178,583,103, A>G on the plus strand (T>C on the coding strand, the complement: TTN is on the minus strand). VCF-style: chr2-178583103-A-G. GRCh37 (hg19) VCF-style: chr2-179447830-A-G.
Other names: c.60777T>C, p.Asp20259= (NM_001256850.1); c.38505T>C, p.Asp12835= (NM_003319.4); c.57996T>C, p.Asp19332= (NM_133378.4); c.38880T>C, p.Asp12960= (NM_133432.3); c.39081T>C, p.Asp13027= (NM_133437.4).
Identifiers: ClinVar variation 467380 (VCV000467380.18), dbSNP rs772440358, ClinGen allele CA1991654.